The following is an entry in ClinVar:

ClinVar aggregate classification (germline): Likely benign. Review status: criteria provided, single submitter (1 of 4 stars). 2 submissions from 2 submitters: Likely benign (1). 1 of the submissions does not count toward it. Last evaluated 2024-11-18.

Conditions:
JAG2-related disorder. Also called: JAG2-related condition.

Allele frequency attached by ClinVar (database versions not stated): ESP Exome Variant Server 0.00015; 1000 Genomes Project 30x 0.00016; gnomAD 0.00019; TOPMed 0.00019; gnomAD exomes 0.00024.
gnomAD v4.1: 373 of 1,606,752 alleles (0.023%); highest among the groups gnomAD compares: Middle Eastern, 0.05%; 2 homozygotes.

Submissions (2):

Blueprint Genetics
Classification: Likely benign. Last evaluated: 2024-11-18. Review status: criteria provided, single submitter. Criteria: ACMG Guidelines, 2015. Collection method: clinical testing. Allele origin: germline.

PreventionGenetics, part of Exact Sciences
Classification: Likely benign for JAG2-related condition. Last evaluated: 2021-08-27. Review status: no assertion criteria provided. Collection method: clinical testing. Allele origin: germline. Not counted in ClinVar's aggregate classification.
Comment: This variant is classified as likely benign based on ACMG/AMP sequence variant interpretation guidelines (Richards et al. 2015 PMID: 25741868, with internal and published modifications).

NM_002226.5(JAG2):c.1821C>T (p.Gly607=)

Gene: JAG2 (jagged canonical Notch ligand 2; minus strand). Cytogenetic location: 14q32.33.
Variant type: single nucleotide variant.
Coding change: c.1821C>T on transcript NM_002226.5 (MANE Select); coding-DNA position 1821, C replaced by T.
Protein change: p.Gly607=; no amino-acid change (glycine 607 retained).
Molecular consequence: synonymous variant.
Genome position (GRCh38, 1-based): chr14:105,149,022, G>A on the plus strand (C>T on the coding strand, the complement: JAG2 is on the minus strand). VCF-style: chr14-105149022-G-A. GRCh37 (hg19) VCF-style: chr14-105615359-G-A.
Other names: c.1707C>T, p.Gly569= (NM_145159.3).
Identifiers: ClinVar variation 3051334 (VCV003051334.3), dbSNP rs145041298, ClinGen allele CA7385836.
Genomic context (GRCh38, chr14:105,149,022, plus strand): 5'-GCCACTGTCACAGATGCAGGAAAAGTTGCCCCCTGGCTGGCTGACGCAGCGTCCATGGGG[G>A]CCACACACGCCGGAGGCTGCTGTGCCAGGCATCCCAGGCCCCGCGTCTGACCCGCAGCCA-3'
Protein context (NP_002217.3, residues 597-617): MPGTAASGVC[Gly607=]PHGRCVSQPG